The following is an entry in ClinVar:

ClinVar aggregate classification (germline): Likely benign (0 of 4 stars; one submission).

Conditions:
GNAS-related disorder. Identifiers: MedGen CN380105.

gnomAD v4.1: 1 of 1,190,518 alleles (0.000084%); highest among the groups gnomAD compares: Admixed American, 0.0024%; no homozygotes.

Submission:

PreventionGenetics, part of Exact Sciences
Classification: Likely benign for GNAS-related condition. Last evaluated: 2024-04-30. Review status: no assertion criteria provided. Collection method: clinical testing. Allele origin: germline.
Comment: This variant is classified as likely benign based on ACMG/AMP sequence variant interpretation guidelines (Richards et al. 2015 PMID: 25741868, with internal and published modifications).

NM_000516.7(GNAS):c.12C>G (p.Leu4=)

Gene: GNAS (GNAS complex locus; plus strand). Cytogenetic location: 20q13.32.
Variant type: single nucleotide variant.
Coding change: c.12C>G on transcript NM_000516.7 (MANE Select); coding-DNA position 12, C replaced by G.
Protein change: p.Leu4=; no amino-acid change (leucine 4 retained).
Molecular consequence: synonymous variant. On other transcripts: intron variant (8).
Genome position (GRCh38, 1-based): chr20:58,891,738, C>G. VCF-style: chr20-58891738-C-G. GRCh37 (hg19) VCF-style: chr20-57466793-C-G.
Other names: c.*159-3874C>G (NM_001309883.1); c.-39+2385C>G (NM_001309840.2); c.12C>G, p.Leu4= (NM_001077488.5, NM_001077489.4, NM_001309842.2 and 1 more transcripts); c.*43-3874C>G (NM_016592.5); c.44-3874C>G (NM_001410912.1); c.-38-3874C>G (NM_001309861.2); c.*1-3874C>G (NM_001077490.3); c.2069-3874C>G (NM_080425.4, NM_001410913.1).
Identifiers: ClinVar variation 3353270 (VCV003353270.1).
Genomic context (GRCh38, chr20:58,891,738, plus strand): 5'-GCCCGCCGCCGCCGCAGCCCGGCCGCGCCCCGCCGCCGCCGCCGCCGCCATGGGCTGCCT[C>G]GGGAACAGTAAGACCGAGGACCAGCGCAACGAGGAGAAGGCGCAGCGTGAGGCCAACAAA-3'
Protein context (NP_000507.1, residues 1-14): MGC[Leu4=]GNSKTEDQRN